The following is an entry in ClinVar:

NM_001283009.2(RTEL1):c.2756T>C (p.Leu919Pro)

Genes: RTEL1 (regulator of telomere elongation helicase 1; plus strand), RTEL1-TNFRSF6B (RTEL1-TNFRSF6B readthrough (NMD candidate); plus strand). Cytogenetic location: 20q13.33.
Variant type: single nucleotide variant.
Coding change: c.2756T>C on transcript NM_001283009.2 (MANE Select); coding-DNA position 2756, T replaced by C.
Protein change: p.Leu919Pro; replaces leucine 919 with proline.
Molecular consequence: missense variant. On other transcripts: non-coding transcript variant (1).
Genome position (GRCh38, 1-based): chr20:63,692,908, T>C. VCF-style: chr20-63692908-T-C. GRCh37 (hg19) VCF-style: chr20-62324261-T-C.
Other names: c.2087T>C, p.Leu696Pro (NM_001283010.1); c.2756T>C, p.Leu919Pro (NM_016434.4); c.2828T>C, p.Leu943Pro (NM_032957.5); short protein forms L696P, L919P, L943P.
Identifiers: ClinVar variation 3948314 (VCV003948314.1).

ClinVar aggregate classification (germline): Uncertain significance (1 of 4 stars; one submission).

Conditions:
Inborn genetic diseases. Identifiers: MedGen C0950123, MeSH D030342.

Submission:

Ambry Genetics
Classification: Uncertain significance for Inborn genetic diseases. Last evaluated: 2025-04-07. Review status: criteria provided, single submitter. Criteria: Ambry Variant Classification Scheme 2023. Collection method: clinical testing. Allele origin: germline.
Comment: The p.L919P variant (also known as c.2756T>C), located in coding exon 28 of the RTEL1 gene, results from a T to C substitution at nucleotide position 2756. The leucine at codon 919 is replaced by proline, an amino acid with similar properties. This amino acid position is conserved. In addition, the in silico prediction for this alteration is inconclusive. Based on the available evidence, the clinical significance of this variant remains unclear.